The following is an entry in ClinVar:

NM_015909.4(NBAS):c.3160G>T (p.Gly1054Ter)

Gene: NBAS (NBAS subunit of NRZ tethering complex; minus strand). Cytogenetic location: 2p24.3.
Variant type: single nucleotide variant.
Coding change: c.3160G>T on transcript NM_015909.4 (MANE Select); coding-DNA position 3160, G replaced by T.
Protein change: p.Gly1054Ter; replaces glycine 1054 with a stop codon.
Molecular consequence: nonsense. On other transcripts: non-coding transcript variant (1).
Genome position (GRCh38, 1-based): chr2:15,394,324, C>A on the plus strand (G>T on the coding strand, the complement: NBAS is on the minus strand). VCF-style: chr2-15394324-C-A. GRCh37 (hg19) VCF-style: chr2-15534448-C-A.
Other names: c.3160G>T (NM_015909.3); short protein forms G1054*.
Identifiers: ClinVar variation 3238804 (VCV003238804.3), dbSNP rs908833503.

ClinVar aggregate classification (germline): Likely pathogenic. Review status: criteria provided, multiple submitters, no conflicts (2 of 4 stars). 3 submissions from 2 submitters: Likely pathogenic (3). Last evaluated 2026-05-22.

Conditions:
Short stature-optic atrophy-Pelger-Huët anomaly syndrome. Also called: Short stature-optic atrophy-Pelger-HuC+t anomaly syndrome; Short stature, optic nerve atrophy, and Pelger-Huet anomaly. Identifiers: Orphanet 391677, MedGen C3541319, MONDO:0013889, OMIM 614800.
Infantile liver failure syndrome 2 (ILFS2). Identifiers: MedGen C3809651, MONDO:0014659, OMIM 616483.

Allele frequency attached by ClinVar (database versions not stated): gnomAD exomes 0.00001.
gnomAD v4.1: 3 of 1,612,972 alleles (0.00019%); highest among the groups gnomAD compares: Middle Eastern, 0.033%; no homozygotes.

Submissions (3):

GeneDx
Classification: Likely pathogenic. Last evaluated: 2026-05-22. Review status: criteria provided, single submitter. Criteria: GeneDx Variant Classification Process June 2021. Collection method: clinical testing. Allele origin: germline.
Comment: Nonsense variant predicted to result in protein truncation or nonsense mediated decay in a gene for which loss of function is a known mechanism of disease; Not observed at significant frequency in large population cohorts (gnomAD); Reported in a database of variants in genes associated with inherited retinal diseases; however, patient-specific information was not provided (PMID: 31964843); This variant is associated with the following publications: (PMID: 31964843)

Baylor Genetics
Classification: Likely pathogenic for Short stature-optic atrophy-Pelger-Huët anomaly syndrome. Last evaluated: 2024-01-13. Review status: criteria provided, single submitter. Criteria: ACMG Guidelines, 2015. Collection method: clinical testing. Allele origin: unknown.

Baylor Genetics
Classification: Likely pathogenic for Infantile liver failure syndrome 2. Last evaluated: 2024-01-13. Review status: criteria provided, single submitter. Criteria: ACMG Guidelines, 2015. Collection method: clinical testing. Allele origin: unknown.